The following is an entry in ClinVar:

ClinVar aggregate classification (germline): Pathogenic (1 of 4 stars; one submission).

Conditions:
Marfan syndrome (MFS). Also called: MARFAN SYNDROME, TYPE I; Marfan syndrome type 1; Marfan's syndrome; Marfan syndrome, classic; FBN1-Related Marfan Syndrome. Identifiers: Orphanet 284963, Orphanet 558, MedGen C0024796, MONDO:0007947, OMIM 154700.
Familial thoracic aortic aneurysm and aortic dissection (TAAD). Also called: Thoracic aortic aneurysms and dissections. Identifiers: Orphanet 91387, MedGen C4707243, MONDO:0019625.

Submission:

Labcorp Genetics (formerly Invitae), Labcorp
Classification: Pathogenic for Marfan syndrome; Familial thoracic aortic aneurysm and aortic dissection. Last evaluated: 2024-12-23. Review status: criteria provided, single submitter. Criteria: Invitae Variant Classification Sherloc (09022015). Collection method: clinical testing. Allele origin: germline.
Comment: This sequence change creates a premature translational stop signal (p.Cys250*) in the FBN1 gene. It is expected to result in an absent or disrupted protein product. Loss-of-function variants in FBN1 are known to be pathogenic (PMID: 17657824, 19293843). This variant is not present in population databases (gnomAD no frequency). This variant has not been reported in the literature in individuals affected with FBN1-related conditions. For these reasons, this variant has been classified as Pathogenic.

Literature cited by the submitters: PubMed 17657824; PubMed 19293843.

NM_000138.5(FBN1):c.750C>A (p.Cys250Ter)

Gene: FBN1 (fibrillin 1; minus strand). Cytogenetic location: 15q21.1.
Variant type: single nucleotide variant.
Coding change: c.750C>A on transcript NM_000138.5 (MANE Select); coding-DNA position 750, C replaced by A.
Protein change: p.Cys250Ter; replaces cysteine 250 with a stop codon.
Molecular consequence: nonsense.
Genome position (GRCh38, 1-based): chr15:48,534,192, G>T on the plus strand (C>A on the coding strand, the complement: FBN1 is on the minus strand). VCF-style: chr15-48534192-G-T. GRCh37 (hg19) VCF-style: chr15-48826389-G-T.
Other names: c.750C>A, p.Cys250Ter (NM_001406716.1, NM_001406717.1); short protein forms C250*.
Identifiers: ClinVar variation 3759586 (VCV003759586.2).